The following is an entry in ClinVar:

NM_001378454.1(ALMS1):c.1432+2_1432+15del

Gene: ALMS1 (ALMS1 centrosome and basal body associated protein; plus strand). Cytogenetic location: 2p13.1.
Variant type: Deletion.
Coding change: c.1432+2_1432+15del on transcript NM_001378454.1 (MANE Select); the canonical splice donor site of the intron after coding-DNA position 1432 through 15 bases into the intron after coding-DNA position 1432, 14 bases deleted (TACGTAGAAAAAGG).
Molecular consequence: splice donor variant.
Genome position (GRCh38, 1-based): chr2:73,432,293-73,432,306, TACGTAGAAAAAGG deleted; deleting any 14 consecutive bases within chr2:73,432,290-73,432,306 gives the same sequence; the c. name uses the placement nearest the transcript's 3' end. VCF-style (leftmost placement, unchanged base first): chr2-73432289-CAGGTACGTAGAAAA-C. GRCh37 (hg19) VCF-style: chr2-73659417-CAGGTACGTAGAAAA-C.
Other names: c.1432+2_1432+15del (NM_015120.4); c.1435+2_1435+15del (NM_015120.4); c.1435+2_1435+15del14 (NM_015120.4); c.1435+2_1435+15delTACGTAGAAAAAGG (NM_015120.4).
Identifiers: ClinVar variation 452373 (VCV000452373.16), dbSNP rs1203193062, ClinGen allele CA533687705.

ClinVar aggregate classification (germline): Likely pathogenic. Review status: criteria provided, multiple submitters, no conflicts (2 of 4 stars). 6 submissions from 6 submitters: Likely pathogenic (4). 2 of the submissions do not count toward it. Last evaluated 2025-12-10.

Conditions:
ALMS1-related disorder. Also called: ALMS1-related condition.
Cardiovascular phenotype. Identifiers: MedGen CN230736.
Alstrom syndrome (ALMS). Identifiers: Orphanet 64, MedGen C0268425, MONDO:0008763, OMIM 203800.

Submissions (6):

Labcorp Genetics (formerly Invitae), Labcorp
Classification: Likely pathogenic for Alstrom syndrome. Last evaluated: 2025-12-10. Review status: criteria provided, single submitter. Criteria: Invitae Variant Classification Sherloc (09022015). Collection method: clinical testing. Allele origin: germline.
Comment: This sequence change affects a splice site in intron 7 of the ALMS1 gene. It is expected to disrupt RNA splicing. Variants that disrupt the donor or acceptor splice site typically lead to a loss of protein function (PMID: 16199547), and loss-of-function variants in ALMS1 are known to be pathogenic (PMID: 17594715). This variant is present in population databases (no rsID available, gnomAD 0.0009%). This variant has not been reported in the literature in individuals affected with ALMS1-related conditions. ClinVar contains an entry for this variant (Variation ID: 452373). In summary, the currently available evidence indicates that the variant is pathogenic, but additional data are needed to prove that conclusively. Therefore, this variant has been classified as Likely Pathogenic.

Ambry Genetics
Classification: Likely pathogenic for Cardiovascular phenotype. Last evaluated: 2022-02-17. Review status: criteria provided, single submitter. Criteria: Ambry Variant Classification Scheme 2023. Collection method: clinical testing. Allele origin: germline.
Comment: The c.1435+2_1435+15del14 intronic variant results from a deletion of 14 nucleotides between positions c.1435+2 and c.1435+15 and involves the canonical splice donor site after coding exon 7of the ALMS1 gene. This variant is considered to be rare based on population cohorts in the Genome Aggregation Database (gnomAD). The canonical splice donor site is highly conserved in available vertebrate species. In silico splice site analysis predicts that this alteration will weaken the native splice donor site; however, the exact impact of this deletion on ALMS1 splicing and function is currently unknown. Alterations that disrupt the canonical splice site are expected to cause aberrant splicing, resulting in an abnormal protein or a transcript that is subject to nonsense-mediated mRNA decay. As such, this alteration is classified as likely pathogenic.

Blueprint Genetics
Classification: Likely pathogenic for ALMS1-related disorders. Last evaluated: 2018-09-19. Review status: criteria provided, single submitter. Criteria: ACMG Guidelines, 2015. Collection method: clinical testing. Allele origin: germline. Affected: yes. Observed: 2 variant alleles.

GeneDx
Classification: Likely pathogenic. Last evaluated: 2017-09-29. Review status: criteria provided, single submitter. Criteria: GeneDx Variant Classification (06012015). Collection method: clinical testing. Allele origin: germline. Affected: yes.
Comment: A variant that is likely pathogenic was identified in the ALMS1 gene. The c.1435+2_1435+15del14 variant has not been published as pathogenic or been reported as benign to our knowledge. This variant is not observed in large population cohorts (Lek et al., 2016). In silico splice prediction algorithms suggest that the c.1435+2_1435+15del14 variant may result in the loss of the natural splice donor site, which could lead to either an abnormal message that is subject to nonsense-mediated mRNA decay, or to an abnormal protein product if the message is used for protein translation. However, in the absence of functional mRNA studies, the physiological consequence of this variant cannot be precisely determined.

Natera, Inc.
Classification: Likely pathogenic for Alstrom syndrome. Last evaluated: 2021-09-30. Review status: no assertion criteria provided. Collection method: clinical testing. Allele origin: germline. Not counted in ClinVar's aggregate classification.

Counsyl
Classification: Likely pathogenic for Alstrom syndrome. Last evaluated: 2018-02-22. Review status: no assertion criteria provided. Collection method: clinical testing. Allele origin: unknown. Not counted in ClinVar's aggregate classification.

Literature cited by the submitters: PubMed 16199547 (cited by Labcorp Genetics (formerly Invitae), Labcorp); PubMed 17594715 (cited by Labcorp Genetics (formerly Invitae), Labcorp).